The following is an entry in ClinVar:

NM_001829.4(CLCN3):c.2215C>G (p.Pro739Ala)

Gene: CLCN3 (Cl-/H+ antiporter 3; plus strand). Cytogenetic location: 4q33.
Variant type: single nucleotide variant.
Coding change: c.2215C>G on transcript NM_001829.4 (MANE Select); coding-DNA position 2215, C replaced by G.
Protein change: p.Pro739Ala; replaces proline 739 with alanine.
Molecular consequence: missense variant.
Genome position (GRCh38, 1-based): chr4:169,713,144, C>G. VCF-style: chr4-169713144-C-G. GRCh37 (hg19) VCF-style: chr4-170634295-C-G.
Other names: c.2134C>G, p.Pro712Ala (NM_001243372.2, NM_001243374.2); c.2215C>G, p.Pro739Ala (NM_173872.4); short protein forms P712A, P739A.
Identifiers: ClinVar variation 5020743 (VCV005020743.1).
Genomic context (GRCh38, chr4:169,713,144, plus strand): 5'-GCCAGGAAAAAACAAGAAGGTATCGTTGGCAGTTCTCGGGTGTGTTTTGCACAGCACACC[C>G]CATCTCTTCCAGCAGAAAGTCCTCGGCCATTGAAGCTTCGAAGCATTCTTGACATGAGCC-3'
Protein context (NP_001820.2, residues 729-749): SSRVCFAQHT[Pro739Ala]SLPAESPRPL

ClinVar aggregate classification (germline): Uncertain significance (1 of 4 stars; one submission).

Submission:

Dasa
Classification: Uncertain significance. Last evaluated: 2026-08-03. Review status: criteria provided, single submitter. Criteria: DASA Assertion Criteria. Collection method: clinical testing. Allele origin: germline.
Comment: NM_001829.4(CLCN3):c.2215C>G (p.Pro739Ala) is a missense variant that results in the substitution of proline with alanine. This variant is absent from population databases. The currently available literature and clinical evidence are not sufficient to establish a definitive association between this variant and the reported condition. Therefore, this variant is classified as a variant of uncertain significance.